The following is an entry in ClinVar:

ClinVar aggregate classification (germline): Likely pathogenic (1 of 4 stars; one submission).

Conditions:
Childhood-onset schizophrenia. Also called: Childhood schizophrenia. Identifiers: Orphanet 641496, MedGen C0036346, MONDO:0957430.

Allele frequency attached by ClinVar (database versions not stated): gnomAD exomes below 0.00001; ExAC 0.00001.
gnomAD v4.1: 5 of 1,595,212 alleles (0.00031%); highest among the groups gnomAD compares: Non-Finnish European, 0.00034%; no homozygotes.

Submission:

Dr. Guy Rouleau's laboratory, McGill University
Classification: Likely pathogenic for Childhood Onset Schizophrenia. Last evaluated: 2014-01-01. Review status: criteria provided, single submitter. Criteria: Submitter's publication. Collection method: research. Allele origin: de novo. Affected: yes. Observed: 1 variant allele.
Comment: COS with Asperger's Disorder

Identified by next generation sequencing and validated by Sanger sequencing

NM_138706.5(B3GNT6):c.552C>G (p.Asp184Glu)

Gene: B3GNT6 (UDP-GlcNAc:betaGal beta-1,3-N-acetylglucosaminyltransferase 6; plus strand). Cytogenetic location: 11q13.5.
Variant type: single nucleotide variant.
Coding change: c.552C>G on transcript NM_138706.5 (MANE Select); coding-DNA position 552, C replaced by G.
Protein change: p.Asp184Glu; replaces aspartic acid 184 with glutamic acid.
Molecular consequence: missense variant.
Genome position (GRCh38, 1-based): chr11:77,040,103, C>G. VCF-style: chr11-77040103-C-G. GRCh37 (hg19) VCF-style: chr11-76751147-C-G.
Other names: short protein forms D184E.
Identifiers: ClinVar variation 208399 (VCV000208399.3), dbSNP rs781821239, ClinGen allele CA210463.